The following is an entry in ClinVar:

NM_004360.5(CDH1):c.244G>T (p.Val82Leu)

Gene: CDH1 (cadherin 1; plus strand). Cytogenetic location: 16q22.1.
Variant type: single nucleotide variant.
Coding change: c.244G>T on transcript NM_004360.5 (MANE Select); coding-DNA position 244, G replaced by T.
Protein change: p.Val82Leu; replaces valine 82 with leucine.
Molecular consequence: missense variant. On other transcripts: 5 prime UTR variant (2).
Genome position (GRCh38, 1-based): chr16:68,801,750, G>T. VCF-style: chr16-68801750-G-T. GRCh37 (hg19) VCF-style: chr16-68835653-G-T.
Other names: c.-1576G>T (NM_001317186.2); c.244G>T, p.Val82Leu (NM_001317184.2); c.-1372G>T (NM_001317185.2); short protein forms V82L.
Identifiers: ClinVar variation 630434 (VCV000630434.13), dbSNP rs1064793867, ClinGen allele CA396457229.

ClinVar aggregate classification (germline): Uncertain significance. Review status: criteria provided, multiple submitters, no conflicts (2 of 4 stars). 2 submissions from 2 submitters: Uncertain significance (2). Last evaluated 2022-08-23.

Conditions:
Hereditary diffuse gastric adenocarcinoma (HDGC). Also called: DIFFUSE GASTRIC AND LOBULAR BREAST CANCER SYNDROME. Identifiers: Orphanet 26106, MedGen C1708349, MONDO:0007648, OMIM 137215.
Hereditary cancer-predisposing syndrome. Also called: Hereditary Cancer Syndrome; Neoplastic Syndromes, Hereditary; Tumor predisposition; Hereditary neoplastic syndrome. Identifiers: Orphanet 140162, MedGen C0027672, MeSH D009386, MONDO:0015356.

Submissions (2):

Labcorp Genetics (formerly Invitae), Labcorp
Classification: Uncertain significance for Hereditary diffuse gastric adenocarcinoma. Last evaluated: 2022-08-23. Review status: criteria provided, single submitter. Criteria: Invitae Variant Classification Sherloc (09022015). Collection method: clinical testing. Allele origin: germline.
Comment: In summary, the available evidence is currently insufficient to determine the role of this variant in disease. Therefore, it has been classified as a Variant of Uncertain Significance. Algorithms developed to predict the effect of missense changes on protein structure and function output the following: SIFT: "Tolerated"; PolyPhen-2: "Benign"; Align-GVGD: "Class C0". The leucine amino acid residue is found in multiple mammalian species, which suggests that this missense change does not adversely affect protein function. ClinVar contains an entry for this variant (Variation ID: 630434). This variant has not been reported in the literature in individuals affected with CDH1-related conditions. This variant is not present in population databases (gnomAD no frequency). This sequence change replaces valine, which is neutral and non-polar, with leucine, which is neutral and non-polar, at codon 82 of the CDH1 protein (p.Val82Leu).

Color Diagnostics, LLC DBA Color Health
Classification: Uncertain significance for Hereditary cancer-predisposing syndrome. Last evaluated: 2019-04-05. Review status: criteria provided, single submitter. Criteria: ACMG Guidelines, 2015. Collection method: clinical testing. Allele origin: germline.